The following is an entry in ClinVar:

ClinVar aggregate classification (germline): Pathogenic. Review status: criteria provided, multiple submitters, no conflicts (2 of 4 stars). 3 submissions from 3 submitters: Pathogenic (2). 1 of the submissions does not count toward it. Last evaluated 2023-01-20.

Conditions:
Mucolipidosis type II. Also called: Mucolipidosis 2; ML 2; Inclusion cell disease; Leroy Disease; N-acetylglucosamine 1phosphotransferase deficiency; ML disorder type 2. Identifiers: Orphanet 576, MedGen C2673377, MONDO:0009650, OMIM 252500.
Pseudo-Hurler polydystrophy. Also called: MUCOLIPIDOSIS IIIA; Type III Mucolipidosis; ML IIIA; Mucolipidosis III Alpha/Beta; ML III; ML III ALPHA/BETA. Identifiers: Orphanet 423461, Orphanet 577, MedGen C0033788, MONDO:0018931, OMIM 252600.
Mucolipidosis. Also called: Mucolipidoses. Identifiers: Orphanet 79212, MedGen C0026697, MONDO:0019248.

Submissions (3):

Labcorp Genetics (formerly Invitae), Labcorp
Classification: Pathogenic for Pseudo-Hurler polydystrophy; Mucolipidosis type II. Last evaluated: 2023-01-20. Review status: criteria provided, single submitter. Criteria: Invitae Variant Classification Sherloc (09022015). Collection method: clinical testing. Allele origin: germline.
Comment: ClinVar contains an entry for this variant (Variation ID: 1416350). For these reasons, this variant has been classified as Pathogenic. This premature translational stop signal has been observed in individual(s) with mucolipidosis II (PMID: 29872134). This variant is present in population databases (rs753382639, gnomAD 0.01%). This sequence change creates a premature translational stop signal (p.Thr30Hisfs*24) in the GNPTAB gene. It is expected to result in an absent or disrupted protein product. Loss-of-function variants in GNPTAB are known to be pathogenic (PMID: 19617216, 25107912).

Juno Genomics, Hangzhou Juno Genomics, Inc
Classification: Pathogenic for Mucolipidosis type II; Pseudo-Hurler polydystrophy. Review status: criteria provided, single submitter. Criteria: ACMG Guidelines, 2015. Collection method: clinical testing. Allele origin: germline.
Comment: Absent from controls (or at extremely low frequency if recessive) in Genome Aggregation Database.;Null variant in a gene where loss of function (LOF) is a known mechanism of disease.;For recessive disorders, detected in trans with a pathogenic variant.

Department of Genetics and Endocrinology, Guangzhou Women and Children’s Medical Center
Classification: Pathogenic for Mucolipidosis. Review status: no assertion criteria provided. Collection method: clinical testing. Allele origin: inherited. Affected: yes. Not counted in ClinVar's aggregate classification.

Literature cited by the submitters: PubMed 29872134 (cited by Labcorp Genetics (formerly Invitae), Labcorp); PubMed 19617216 (cited by Labcorp Genetics (formerly Invitae), Labcorp); PubMed 25107912 (cited by Labcorp Genetics (formerly Invitae), Labcorp).

NM_024312.5(GNPTAB):c.88_89del (p.Thr30fs)

Gene: GNPTAB (N-acetylglucosamine-1-phosphate transferase subunits alpha and beta; minus strand). Cytogenetic location: 12q23.2.
Variant type: Deletion.
Coding change: c.88_89del on transcript NM_024312.5 (MANE Select); coding-DNA positions 88 to 89, 2 bases deleted (AC; older notation c.88_89delAC).
Protein change: p.Thr30fs; shifts the reading frame from threonine 30.
Molecular consequence: frameshift variant.
Genome position (GRCh38, 1-based): chr12:101,830,587-101,830,588, GT deleted on the plus strand (AC on the coding strand, the reverse complement: GNPTAB is on the minus strand); deleting any 2 consecutive bases within chr12:101,830,587-101,830,589 gives the same sequence; the c. name uses the placement nearest the transcript's 3' end. VCF-style (leftmost placement, unchanged base first): chr12-101830586-GGT-G. GRCh37 (hg19) VCF-style: chr12-102224364-GGT-G.
Other names: c.88_89delAC (NM_024312.5); short protein forms T30fs.
Identifiers: ClinVar variation 1416350 (VCV001416350.14), dbSNP rs753382639, ClinGen allele CA6747015.